The following is an entry in ClinVar:

ClinVar aggregate classification (germline): Likely benign (1 of 4 stars; one submission).

gnomAD v4.1: 1 of 1,613,822 alleles (0.000062%); highest among the groups gnomAD compares: Non-Finnish European, 0.000085%; no homozygotes.

Submission:

CeGaT Center for Human Genetics Tuebingen
Classification: Likely benign. Last evaluated: 2022-10-01. Review status: criteria provided, single submitter. Criteria: CeGaT Center For Human Genetics Tuebingen Variant Classification Criteria Version 2. Collection method: clinical testing. Allele origin: germline. Affected: yes. Observed: 1 variant allele.
Comment: QRICH1: PM2:Supporting, BP4, BP7

NM_198880.3(QRICH1):c.114G>T (p.Gly38=)

Gene: QRICH1 (glutamine rich 1; minus strand). Cytogenetic location: 3p21.31.
Variant type: single nucleotide variant.
Coding change: c.114G>T on transcript NM_198880.3 (MANE Select); coding-DNA position 114, G replaced by T.
Protein change: p.Gly38=; no amino-acid change (glycine 38 retained).
Molecular consequence: synonymous variant.
Genome position (GRCh38, 1-based): chr3:49,076,904, C>A on the plus strand (G>T on the coding strand, the complement: QRICH1 is on the minus strand). VCF-style: chr3-49076904-C-A. GRCh37 (hg19) VCF-style: chr3-49114337-C-A.
Other names: c.114G>T, p.Gly38= (NM_001320580.2, NM_001320581.2, NM_001320582.2 and 4 more transcripts).
Identifiers: ClinVar variation 1879582 (VCV001879582.29), dbSNP rs199788724, ClinGen allele CA433630298.